The following is an entry in ClinVar:

NM_024652.6(LRRK1):c.1246C>A (p.Leu416Met)

Gene: LRRK1 (leucine rich repeat kinase 1; plus strand). Cytogenetic location: 15q26.3.
Variant type: single nucleotide variant.
Coding change: c.1246C>A on transcript NM_024652.6 (MANE Select); coding-DNA position 1246, C replaced by A.
Protein change: p.Leu416Met; replaces leucine 416 with methionine.
Molecular consequence: missense variant.
Genome position (GRCh38, 1-based): chr15:101,010,802, C>A. VCF-style: chr15-101010802-C-A. GRCh37 (hg19) VCF-style: chr15-101551007-C-A.
Other names: c.1246C>A (NM_024652.5); short protein forms L416M.
Identifiers: ClinVar variation 719736 (VCV000719736.13), dbSNP rs55739947, ClinGen allele CA7760825.

ClinVar aggregate classification (germline): Benign. Review status: criteria provided, multiple submitters, no conflicts (2 of 4 stars). 3 submissions from 3 submitters: Benign (2). 1 of the submissions does not count toward it. Last evaluated 2026-02-04.

Conditions:
LRRK1-related disorder. Also called: LRRK1-related condition.

Allele frequency attached by ClinVar (database versions not stated): gnomAD 0.00822 and 0.00860; 1000 Genomes Project 30x 0.00828; 1000 Genomes Project 0.00839; ExAC 0.00855; gnomAD exomes 0.00934 and 0.01024; ESP Exome Variant Server 0.00694; TOPMed 0.00794.
gnomAD v4.1: 16,424 of 1,613,954 alleles (1%); highest among the groups gnomAD compares: Middle Eastern, 3.9%; 112 homozygotes.

Submissions (3):

Labcorp Genetics (formerly Invitae), Labcorp
Classification: Benign. Last evaluated: 2026-02-04. Review status: criteria provided, single submitter. Criteria: Invitae Variant Classification Sherloc (09022015). Collection method: clinical testing. Allele origin: germline.

Breakthrough Genomics
Classification: Benign. Review status: criteria provided, single submitter. Criteria: ACMG Guidelines, 2015. Collection method: not provided. Allele origin: germline. Inheritance: Autosomal recessive inheritance. Affected: yes.

PreventionGenetics, part of Exact Sciences
Classification: Benign for LRRK1-related condition. Last evaluated: 2019-02-23. Review status: no assertion criteria provided. Collection method: clinical testing. Allele origin: germline. Not counted in ClinVar's aggregate classification.
Comment: This variant is classified as benign based on ACMG/AMP sequence variant interpretation guidelines (Richards et al. 2015 PMID: 25741868, with internal and published modifications).